The following is an entry in ClinVar:

ClinVar aggregate classification (germline): Uncertain significance. Review status: criteria provided, multiple submitters, no conflicts (2 of 4 stars). 4 submissions from 4 submitters: Uncertain significance (4). Last evaluated 2025-05-16.

Conditions:
Brody myopathy. Also called: BRODY DISEASE. Identifiers: Orphanet 53347, MedGen C1832918, MONDO:0010977, OMIM 601003.

Allele frequency attached by ClinVar (database versions not stated): gnomAD 0.00002 and 0.00001; gnomAD exomes 0.00010 and 0.00002; ExAC 0.00010; TOPMed 0.00010.
gnomAD v4.1: 36 of 1,613,912 alleles (0.0022%); highest among the groups gnomAD compares: Admixed American, 0.022%; no homozygotes.

Submissions (4):

GeneDx
Classification: Uncertain significance. Last evaluated: 2025-05-16. Review status: criteria provided, single submitter. Criteria: GeneDx Variant Classification Process June 2021. Collection method: clinical testing. Allele origin: germline.
Comment: In silico analysis supports that this missense variant has a deleterious effect on protein structure/function; Has not been previously published as pathogenic or benign to our knowledge

Labcorp Genetics (formerly Invitae), Labcorp
Classification: Uncertain significance for Brody myopathy. Last evaluated: 2024-11-04. Review status: criteria provided, single submitter. Criteria: Invitae Variant Classification Sherloc (09022015). Collection method: clinical testing. Allele origin: germline.
Comment: This sequence change replaces tryptophan, which is neutral and slightly polar, with arginine, which is basic and polar, at codon 854 of the ATP2A1 protein (p.Trp854Arg). This variant is present in population databases (rs780556969, gnomAD 0.1%). This variant has not been reported in the literature in individuals affected with ATP2A1-related conditions. ClinVar contains an entry for this variant (Variation ID: 318788). An algorithm developed to predict the effect of missense changes on protein structure and function (PolyPhen-2) suggests that this variant is likely to be disruptive. In summary, the available evidence is currently insufficient to determine the role of this variant in disease. Therefore, it has been classified as a Variant of Uncertain Significance.

Revvity Omics, Revvity
Classification: Uncertain significance for Brody myopathy. Last evaluated: 2024-07-04. Review status: criteria provided, single submitter. Criteria: ACMG Guidelines, 2015. Collection method: clinical testing. Allele origin: germline.

Illumina Laboratory Services, Illumina
Classification: Uncertain significance for Brody myopathy. Last evaluated: 2018-01-13. Review status: criteria provided, single submitter. Criteria: ICSL Variant Classification Criteria 13 December 2019. Collection method: clinical testing. Allele origin: germline.

NM_004320.6(ATP2A1):c.2560T>C (p.Trp854Arg)

Gene: ATP2A1 (ATPase sarcoplasmic/endoplasmic reticulum Ca2+ transporting 1; plus strand). Cytogenetic location: 16p11.2.
Variant type: single nucleotide variant.
Coding change: c.2560T>C on transcript NM_004320.6 (MANE Select); coding-DNA position 2560, T replaced by C.
Protein change: p.Trp854Arg; replaces tryptophan 854 with arginine.
Molecular consequence: missense variant.
Genome position (GRCh38, 1-based): chr16:28,902,615, T>C. VCF-style: chr16-28902615-T-C. GRCh37 (hg19) VCF-style: chr16-28913936-T-C.
Other names: c.2560T>C (NM_173201.4); c.2185T>C, p.Trp729Arg (NM_001286075.2); c.2560T>C, p.Trp854Arg (NM_173201.5); short protein forms W854R, W729R.
Identifiers: ClinVar variation 318788 (VCV000318788.15), dbSNP rs780556969, ClinGen allele CA7987310.
Genomic context (GRCh38, chr16:28,902,615, plus strand): 5'-CCCGACTCCCCTCTCTCCACCACAGGCTATGTGGGTGCAGCCACCGTGGGAGCAGCTGCC[T>C]GGTGGTTCCTGTACGCTGAGGATGGGCCTCATGTCAACTACAGCCAGCTGGTAGGGGGAG-3'
Protein context (NP_004311.1, residues 844-864): VGAATVGAAA[Trp854Arg]WFLYAEDGPH